The following is an entry in ClinVar:

ClinVar aggregate classification (germline): Uncertain significance (1 of 4 stars; one submission).

Allele frequency attached by ClinVar (database versions not stated): ExAC 0.00001; gnomAD exomes 0.00001; gnomAD 0.00002.
gnomAD v4.1: 16 of 1,613,720 alleles (0.00099%); highest among the groups gnomAD compares: Admixed American, 0.0017%; no homozygotes.

Submission:

GeneDx
Classification: Uncertain significance. Last evaluated: 2022-03-09. Review status: criteria provided, single submitter. Criteria: GeneDx Variant Classification Process June 2021. Collection method: clinical testing. Allele origin: germline. Affected: yes.
Comment: In silico analysis supports a deleterious effect on splicing; Has not been previously published as pathogenic or benign to our knowledge

NM_014846.4(WASHC5):c.864+4A>G

Gene: WASHC5 (WASH complex subunit 5; minus strand). Cytogenetic location: 8q24.13.
Variant type: single nucleotide variant.
Coding change: c.864+4A>G on transcript NM_014846.4 (MANE Select); 4 bases into the intron after coding-DNA position 864, A replaced by G.
Molecular consequence: intron variant.
Genome position (GRCh38, 1-based): chr8:125,076,344, T>C on the plus strand (A>G on the coding strand, the complement: WASHC5 is on the minus strand). VCF-style: chr8-125076344-T-C. GRCh37 (hg19) VCF-style: chr8-126088586-T-C.
Other names: c.420+4A>G (NM_001330609.2).
Identifiers: ClinVar variation 1704844 (VCV001704844.2), dbSNP rs760261992, ClinGen allele CA4873999.